The following is an entry in ClinVar:

NM_000107.3(DDB2):c.128-66C>T

Gene: DDB2 (damage specific DNA binding protein 2; plus strand). Cytogenetic location: 11p11.2.
Variant type: single nucleotide variant.
Coding change: c.128-66C>T on transcript NM_000107.3 (MANE Select); 66 bases into the intron before coding-DNA position 128, C replaced by T.
Molecular consequence: intron variant.
Genome position (GRCh38, 1-based): chr11:47,216,270, C>T. VCF-style: chr11-47216270-C-T. GRCh37 (hg19) VCF-style: chr11-47237821-C-T.
Other names: c.128-66C>T (NM_001300734.2).
Identifiers: ClinVar variation 135512 (VCV000135512.25), dbSNP rs186870004, ClinGen allele CA162967.

ClinVar aggregate classification (germline): Likely benign. Review status: criteria provided, single submitter (1 of 4 stars). 2 submissions from 2 submitters: Likely benign (1). 1 of the submissions does not count toward it. Last evaluated 2023-06-01.

Allele frequency attached by ClinVar (database versions not stated): gnomAD 0.00480 and 0.00436; TOPMed 0.00490; 1000 Genomes Project 0.00140; 1000 Genomes Project 30x 0.00141.
gnomAD v4.1: 11,534 of 1,612,136 alleles (0.72%); highest among the groups gnomAD compares: Non-Finnish European, 0.89%; 49 homozygotes.

Submissions (2):

CeGaT Center for Human Genetics Tuebingen
Classification: Likely benign. Last evaluated: 2023-06-01. Review status: criteria provided, single submitter. Criteria: CeGaT Center For Human Genetics Tuebingen Variant Classification Criteria Version 2. Collection method: clinical testing. Allele origin: germline. Affected: yes. Observed: 3 variant alleles.
Comment: DDB2: BS2

ITMI
No classification provided. Condition: AllHighlyPenetrant. Last evaluated: 2013-09-19. Review status: no classification provided. Collection method: reference population. Allele origin: germline. Not counted in ClinVar's aggregate classification.
Comment: Please see associated publication for description of ethnicities

Literature cited by the submitters: PubMed 24728327 (cited by ITMI).